The following is an entry in ClinVar:

NM_006946.4(SPTBN2):c.4654C>T (p.Arg1552Cys)

Gene: SPTBN2 (spectrin beta, non-erythrocytic 2; minus strand). Cytogenetic location: 11q13.2.
Variant type: single nucleotide variant.
Coding change: c.4654C>T on transcript NM_006946.4 (MANE Select); coding-DNA position 4654, C replaced by T.
Protein change: p.Arg1552Cys; replaces arginine 1552 with cysteine.
Molecular consequence: missense variant.
Genome position (GRCh38, 1-based): chr11:66,693,386, G>A on the plus strand (C>T on the coding strand, the complement: SPTBN2 is on the minus strand). VCF-style: chr11-66693386-G-A. GRCh37 (hg19) VCF-style: chr11-66460857-G-A.
Other names: c.4675C>T, p.Arg1559Cys (NM_001411025.1); short protein forms R1552C, R1559C.
Identifiers: ClinVar variation 3631973 (VCV003631973.2).
Genomic context (GRCh38, chr11:66,693,386, plus strand): 5'-GTTTCCACATTTCCTGCAGCTCAGCCAGCTCTGGACCTGCTGCTGCTGCACCTAGAGCAC[G>A]CTGCCGCTCCCTCAGGTCCGCGATCCGGGGCTCATGGCCCTGAATCTCTTTCTGCAGGGT-3'
Protein context (NP_008877.2, residues 1542-1562): PRIADLRERQ[Arg1552Cys]ALGAAAAGPE

ClinVar aggregate classification (germline): Uncertain significance. Review status: criteria provided, multiple submitters, no conflicts (2 of 4 stars). 2 submissions from 2 submitters: Uncertain significance (2). Last evaluated 2025-03-27.

Conditions:
Autosomal recessive spinocerebellar ataxia 14. Also called: CEREBELLAR ATAXIA, AUTOSOMAL RECESSIVE, SPECTRIN-ASSOCIATED, 1. Identifiers: Orphanet 352403, MedGen C4706415, MONDO:0014159, OMIM 615386.

gnomAD v4.1: 23 of 1,602,296 alleles (0.0014%); highest among the groups gnomAD compares: South Asian, 0.014%; no homozygotes.

Submissions (2):

Labcorp Genetics (formerly Invitae), Labcorp
Classification: Uncertain significance. Last evaluated: 2025-03-27. Review status: criteria provided, single submitter. Criteria: Invitae Variant Classification Sherloc (09022015). Collection method: clinical testing. Allele origin: germline.
Comment: This sequence change replaces arginine, which is basic and polar, with cysteine, which is neutral and slightly polar, at codon 1552 of the SPTBN2 protein (p.Arg1552Cys). The frequency data for this variant in the population databases is considered unreliable, as metrics indicate poor data quality at this position in the gnomAD database. This variant has not been reported in the literature in individuals affected with SPTBN2-related conditions. Invitae Evidence Modeling of protein sequence and biophysical properties (such as structural, functional, and spatial information, amino acid conservation, physicochemical variation, residue mobility, and thermodynamic stability) indicates that this missense variant is not expected to disrupt SPTBN2 protein function with a negative predictive value of 80%. In summary, the available evidence is currently insufficient to determine the role of this variant in disease. Therefore, it has been classified as a Variant of Uncertain Significance.

Neuberg Centre For Genomic Medicine, NCGM
Classification: Uncertain significance for Autosomal recessive spinocerebellar ataxia 14. Last evaluated: 2023-06-22. Review status: criteria provided, single submitter. Criteria: ACMG Guidelines, 2015. Collection method: clinical testing. Allele origin: germline. Inheritance: Autosomal recessive inheritance. Affected: yes.
Comment: The missense variant c.4654C>T (p.Arg1552Cys) in the SPTBN2 gene has not been reported previously as a pathogenic variant nor as a benign variant, to our knowledge. This variant is reported with the allele frequency (0.002%) in the gnomAD Exomes. The amino acid Arg at position 1552 is changed to a Cys changing protein sequence and it might alter its composition and physico-chemical properties. Multiple lines of computational evidence (Polyphen - Damaging, SIFT - Damaging and MutationTaster - Disease causing) predict a damaging effect on protein structure and function for this variant. The amino acid change p.Arg1552Cys in SPTBN2 is predicted as conserved by GERP++ and PhyloP across 100 vertebrates. For these reasons, this variant has been classified as Uncertain Significance